The following is an entry in ClinVar:

NM_000257.4(MYH7):c.1407+3G>A

Gene: MYH7 (myosin heavy chain 7; minus strand). Cytogenetic location: 14q11.2.
Variant type: single nucleotide variant.
Coding change: c.1407+3G>A on transcript NM_000257.4 (MANE Select); 3 bases into the intron after coding-DNA position 1407, G replaced by A.
Molecular consequence: intron variant.
Genome position (GRCh38, 1-based): chr14:23,428,952, C>T on the plus strand (G>A on the coding strand, the complement: MYH7 is on the minus strand). VCF-style: chr14-23428952-C-T. GRCh37 (hg19) VCF-style: chr14-23898161-C-T.
Other names: c.1407+3G>A (LRG_384t1).
Identifiers: ClinVar variation 451228 (VCV000451228.2), dbSNP rs951495214, ClinGen allele CA257823285.
Genomic context (GRCh38, chr14:23,428,952, plus strand): 5'-ATAGCTGTTGAATGTGGGAGCGAGTGAGTGATTGTTCTCCCACTCCCAGGGGTCCCAACT[C>T]ACATCGAAGATCTCGAAGCCAGCGATGTCCAGGACTCCTATGAAGTACTGGCGTGGCTGC-3'

ClinVar aggregate classification (germline): Uncertain significance (1 of 4 stars; one submission).

Allele frequency attached by ClinVar (database versions not stated): gnomAD exomes below 0.00001; TOPMed 0.00001.
gnomAD v4.1: 3 of 1,614,220 alleles (0.00019%); highest among the groups gnomAD compares: African/African-American, 0.004%; no homozygotes.

Submission:

GeneDx
Classification: Uncertain significance. Last evaluated: 2017-08-29. Review status: criteria provided, single submitter. Criteria: GeneDx Variant Classification (06012015). Collection method: clinical testing. Allele origin: germline. Affected: yes.
Comment: A variant of uncertain significance has been identified in the MYH7 gene. The c.1407+3 G>A variant has not been published as pathogenic or been reported as benign to our knowledge. This variant is also not observed in large population cohorts (Lek et al., 2016; 1000 Genomes Consortium et al., 2015; Exome Variant Server). This variant is located within the splice donor site of intron 14, and occurs at a nucleotide conserved in mammals. Although in silico splice prediction algorithms predict this variant does not impact splicing, in the absence of functional mRNA studies, the physiological consequence of this variant cannot be precisely determined. Nevertheless, while other splice site variants in the MYH7 gene have been reported in the Human Gene Mutation Database in association with cardiomyopathy (Stenson et al., 2014), the majority of pathogenic variants in MYH7 are missense changes, suggesting haploinsufficiency may not be a mechanism of disease in this gene.